The following continues an entry in ClinVar:

NM_000500.9(CYP21A2):c.1360C>T (p.Pro454Ser)

ClinVar aggregate classification (germline): Pathogenic. Pathogenic (28).

Submissions 30 to 35 of 35:

OMIM
Classification: Pathogenic for ADRENAL HYPERPLASIA, CONGENITAL, DUE TO 21-HYDROXYLASE DEFICIENCY, NONCLASSIC TYPE. Last evaluated: 2008-06-01. Review status: no assertion criteria provided. Collection method: literature only. Allele origin: germline. Not counted in ClinVar's aggregate classification.

Clinical Genetics DNA and cytogenetics Diagnostics Lab, Erasmus MC, Erasmus Medical Center
Classification: Pathogenic. Review status: no assertion criteria provided. Collection method: clinical testing. Allele origin: germline. Affected: yes. Study: VKGL Data-share Consensus. Not counted in ClinVar's aggregate classification.

Diagnostic Laboratory, Department of Genetics, University Medical Center Groningen
Classification: Pathogenic. Review status: no assertion criteria provided. Collection method: clinical testing. Allele origin: germline. Affected: yes. Study: VKGL Data-share Consensus. Not counted in ClinVar's aggregate classification.

GeneReviews
No classification provided. Condition: 21-Hydroxylase-Deficient Congenital Adrenal Hyperplasia. Review status: no classification provided. Collection method: literature only. Allele origin: unknown. Not counted in ClinVar's aggregate classification.

Genome Diagnostics Laboratory, Amsterdam University Medical Center
Classification: Pathogenic. Review status: no assertion criteria provided. Collection method: clinical testing. Allele origin: germline. Affected: yes. Study: VKGL Data-share Consensus. Not counted in ClinVar's aggregate classification.

Joint Genome Diagnostic Labs from Nijmegen and Maastricht, Radboudumc and MUMC+
Classification: Pathogenic. Review status: no assertion criteria provided. Collection method: clinical testing. Allele origin: germline. Affected: yes. Study: VKGL Data-share Consensus. Not counted in ClinVar's aggregate classification.

Literature cited by the submitters: PubMed 1406709 (cited by 4 submitters); PubMed 1496017 (cited by 5 submitters); PubMed 8989258 (cited by 4 submitters); PubMed 18381579 (cited by 9 submitters); PubMed 1406699 (cited by 9 submitters); PubMed 20301350 (cited by Department of Molecular Genetics, Istishari Arab Hospital and GeneReviews); PubMed 10364682 (cited by Athena Diagnostics and Quest Diagnostics Nichols Institute San Juan Capistrano); PubMed 10720040 (cited by 4 submitters); PubMed 11232002 (cited by Athena Diagnostics and Quest Diagnostics Nichols Institute San Juan Capistrano); PubMed 11600539 (cited by Athena Diagnostics and Quest Diagnostics Nichols Institute San Juan Capistrano); PubMed 12222711 (cited by 3 submitters); PubMed 19208730 (cited by Athena Diagnostics and Quest Diagnostics Nichols Institute San Juan Capistrano); PubMed 20080860 (cited by Athena Diagnostics and Quest Diagnostics Nichols Institute San Juan Capistrano); PubMed 20926536 (cited by Athena Diagnostics and Quest Diagnostics Nichols Institute San Juan Capistrano); PubMed 21274396 (cited by Athena Diagnostics and Quest Diagnostics Nichols Institute San Juan Capistrano); PubMed 21444649 (cited by 3 submitters); PubMed 21635882 (cited by Athena Diagnostics and Quest Diagnostics Nichols Institute San Juan Capistrano); PubMed 21843885 (cited by 3 submitters); PubMed 22017335 (cited by Athena Diagnostics and Quest Diagnostics Nichols Institute San Juan Capistrano); PubMed 24953648 (cited by 5 submitters); PubMed 25538881 (cited by 3 submitters); PubMed 25481255 (cited by 3 submitters); PubMed 22270556 (cited by 4 submitters); PubMed 12887291 (cited by Labcorp Genetics (formerly Invitae), Labcorp and Women's Health and Genetics/Laboratory Corporation of America, LabCorp); PubMed 23073904 (cited by Labcorp Genetics (formerly Invitae), Labcorp); PubMed 31333583 (cited by Labcorp Genetics (formerly Invitae), Labcorp); PubMed 32966723 (cited by Labcorp Genetics (formerly Invitae), Labcorp); PubMed 30968594 (cited by Labcorp Genetics (formerly Invitae), Labcorp and AiLife Diagnostics); PubMed 21228398 (cited by AiLife Diagnostics); PubMed 28644547 (cited by AiLife Diagnostics); PubMed 23359706 (cited by AiLife Diagnostics); PubMed 29996815 (cited by AiLife Diagnostics); PubMed 31586465 (cited by AiLife Diagnostics and Victorian Clinical Genetics Services, Murdoch Childrens Research Institute); PubMed 32616876 (cited by Victorian Clinical Genetics Services, Murdoch Childrens Research Institute); NCBI Bookshelf NBK1171 (cited by GeneReviews).